The following is an entry in ClinVar:

NM_001267550.2(TTN):c.99530A>G (p.Asn33177Ser)

Genes: TTN (titin; minus strand), TTN-AS1 (TTN antisense RNA 1; plus strand). Cytogenetic location: 2q31.2.
Variant type: single nucleotide variant.
Coding change: c.99530A>G on transcript NM_001267550.2 (MANE Select); coding-DNA position 99530, A replaced by G.
Protein change: p.Asn33177Ser; replaces asparagine 33177 with serine.
Molecular consequence: missense variant. On other transcripts: non-coding transcript variant (1).
Genome position (GRCh38, 1-based): chr2:178,537,677, T>C on the plus strand (A>G on the coding strand, the complement: TTN is on the minus strand). VCF-style: chr2-178537677-T-C. GRCh37 (hg19) VCF-style: chr2-179402404-T-C.
Other names: p.Asn31536Ser; c.94607A>G, p.Asn31536Ser (NM_001256850.1); c.72335A>G, p.Asn24112Ser (NM_003319.4); c.91826A>G, p.Asn30609Ser (NM_133378.4); c.72710A>G, p.Asn24237Ser (NM_133432.3); c.72911A>G, p.Asn24304Ser (NM_133437.4); short protein forms N24112S, N24304S, N30609S, N24237S, N31536S, N33177S.
Identifiers: ClinVar variation 4540701 (VCV004540701.2).

ClinVar aggregate classification (germline): Uncertain significance. Review status: criteria provided, multiple submitters, no conflicts (2 of 4 stars). 2 submissions from 2 submitters: Uncertain significance (2). Last evaluated 2025-10-25.

Conditions:
TTN-related disorder. Also called: TTN-related condition; TTN-related disease; TTN-related disorders.

gnomAD v4.1: 12 of 1,613,696 alleles (0.00074%); highest among the groups gnomAD compares: Non-Finnish European, 0.00093%; no homozygotes.

Submissions (2):

Mayo Clinic Laboratories, Mayo Clinic
Classification: Uncertain significance. Last evaluated: 2025-10-25. Review status: criteria provided, single submitter. Criteria: ACMG Guidelines, 2015. Collection method: clinical testing. Allele origin: germline. Observed: 1 variant allele.
Comment: PM2_supporting

PreventionGenetics, part of Exact Sciences
Classification: Uncertain significance for TTN-related condition. Last evaluated: 2025-04-30. Review status: criteria provided, single submitter. Criteria: ACMG Guidelines, 2015. Collection method: clinical testing. Allele origin: germline.
Comment: The TTN c.99530A>G variant is predicted to result in the amino acid substitution p.Asn33177Ser. To our knowledge, this variant has not been reported in the literature. This variant is reported in 0.0099% of alleles in individuals of Ashkenazi Jewish descent in gnomAD. At this time, the clinical significance of this variant is uncertain due to the absence of conclusive functional and genetic evidence.